The following is an entry in ClinVar:

ClinVar aggregate classification (germline): Uncertain significance (1 of 4 stars; one submission).

Submission:

GeneDx
Classification: Uncertain significance. Last evaluated: 2025-04-22. Review status: criteria provided, single submitter. Criteria: GeneDx Variant Classification Process June 2021. Collection method: clinical testing. Allele origin: germline. Affected: yes.
Comment: Not observed at significant frequency in large population cohorts (gnomAD); In silico analysis supports that this missense variant has a deleterious effect on protein structure/function; Has not been previously published as pathogenic or benign to our knowledge

NM_018489.3(ASH1L):c.6355C>T (p.Pro2119Ser)

Gene: ASH1L (ASH1 like histone lysine methyltransferase; minus strand). Cytogenetic location: 1q22.
Variant type: single nucleotide variant.
Coding change: c.6355C>T on transcript NM_018489.3 (MANE Select); coding-DNA position 6355, C replaced by T.
Protein change: p.Pro2119Ser; replaces proline 2119 with serine.
Molecular consequence: missense variant.
Genome position (GRCh38, 1-based): chr1:155,370,961, G>A on the plus strand (C>T on the coding strand, the complement: ASH1L is on the minus strand). VCF-style: chr1-155370961-G-A. GRCh37 (hg19) VCF-style: chr1-155340752-G-A.
Other names: c.6370C>T, p.Pro2124Ser (NM_001366177.2); short protein forms P2119S, P2124S.
Identifiers: ClinVar variation 4527265 (VCV004527265.1).